The following is an entry in ClinVar:

ClinVar aggregate classification (germline): Uncertain significance (1 of 4 stars; one submission).

gnomAD v4.1: 2 of 1,613,518 alleles (0.00012%); highest among the groups gnomAD compares: Non-Finnish European, 0.00017%; no homozygotes.

Submission:

Labcorp Genetics (formerly Invitae), Labcorp
Classification: Uncertain significance. Last evaluated: 2025-05-18. Review status: criteria provided, single submitter. Criteria: Invitae Variant Classification Sherloc (09022015). Collection method: clinical testing. Allele origin: germline.
Comment: This sequence change replaces glutamine, which is neutral and polar, with histidine, which is basic and polar, at codon 1053 of the NOTCH3 protein (p.Gln1053His). This variant is not present in population databases (gnomAD no frequency). This variant has not been reported in the literature in individuals affected with NOTCH3-related conditions. Invitae Evidence Modeling of protein sequence and biophysical properties (such as structural, functional, and spatial information, amino acid conservation, physicochemical variation, residue mobility, and thermodynamic stability) indicates that this missense variant is not expected to disrupt NOTCH3 protein function with a negative predictive value of 95%. In summary, the available evidence is currently insufficient to determine the role of this variant in disease. Therefore, it has been classified as a Variant of Uncertain Significance.

NM_000435.3(NOTCH3):c.3159G>T (p.Gln1053His)

Gene: NOTCH3 (notch receptor 3; minus strand). Cytogenetic location: 19p13.12.
Variant type: single nucleotide variant.
Coding change: c.3159G>T on transcript NM_000435.3 (MANE Select); coding-DNA position 3159, G replaced by T.
Protein change: p.Gln1053His; replaces glutamine 1053 with histidine.
Molecular consequence: missense variant.
Genome position (GRCh38, 1-based): chr19:15,180,240, C>A on the plus strand (G>T on the coding strand, the complement: NOTCH3 is on the minus strand). VCF-style: chr19-15180240-C-A. GRCh37 (hg19) VCF-style: chr19-15291051-C-A.
Other names: short protein forms Q1053H.
Identifiers: ClinVar variation 4776736 (VCV004776736.1).